The following is an entry in ClinVar:

ClinVar aggregate classification (germline): Conflicting classifications of pathogenicity. Review status: criteria provided, conflicting classifications (1 of 4 stars). 3 submissions from 3 submitters: Uncertain significance (2); Likely benign (1). Last evaluated 2023-03-23.

Conditions:
Hereditary cancer-predisposing syndrome. Also called: Tumor predisposition; Neoplastic Syndromes, Hereditary; Hereditary neoplastic syndrome; Hereditary Cancer Syndrome. Identifiers: Orphanet 140162, MedGen C0027672, MeSH D009386, MONDO:0015356.
Hereditary breast ovarian cancer syndrome. Also called: BRCA1- and BRCA2-Associated Hereditary Breast and Ovarian Cancer; Hereditary breast and/or ovarian cancer syndrome; Hereditary breast and ovarian cancer syndrome; Hereditary breast and ovarian cancer; Hereditary breast and ovarian cancer syndrome (HBOC); Breast and ovarian cancer. Identifiers: Orphanet 145, MedGen C0677776, MeSH D061325, MONDO:0003582. Disease mechanism: loss of function.

Submissions (3):

University of Washington Department of Laboratory Medicine, University of Washington
Classification: Likely benign for Hereditary cancer-predisposing syndrome. Last evaluated: 2023-03-23. Review status: criteria provided, single submitter. Criteria: Dines et al. (Genet Med. 2020). Collection method: curation. Allele origin: germline.
Comment: Missense variant in a coldspot region where missense variants are very unlikely to be pathogenic (PMID:31911673).

BRCA2 exon 11 coldspot. Reclassification based on statistical prior probability.

Labcorp Genetics (formerly Invitae), Labcorp
Classification: Uncertain significance for Hereditary breast ovarian cancer syndrome. Last evaluated: 2021-02-18. Review status: criteria provided, single submitter. Criteria: Invitae Variant Classification Sherloc (09022015). Collection method: clinical testing. Allele origin: germline.
Comment: In summary, the available evidence is currently insufficient to determine the role of this variant in disease. Therefore, it has been classified as a Variant of Uncertain Significance. Algorithms developed to predict the effect of sequence changes on RNA splicing suggest that this variant may create or strengthen a splice site, but this prediction has not been confirmed by published transcriptional studies. Algorithms developed to predict the effect of missense changes on protein structure and function are either unavailable or do not agree on the potential impact of this missense change (SIFT: "Tolerated"; PolyPhen-2: "Probably Damaging"; Align-GVGD: "Class C0"). This variant has not been reported in the literature in individuals with BRCA2-related conditions. This variant is not present in population databases (ExAC no frequency). This sequence change replaces glutamic acid with valine at codon 1703 of the BRCA2 protein (p.Glu1703Val). The glutamic acid residue is weakly conserved and there is a moderate physicochemical difference between glutamic acid and valine.

ARUP Laboratories, Molecular Genetics and Genomics, ARUP Laboratories
Classification: Uncertain significance. Last evaluated: 2020-12-03. Review status: criteria provided, single submitter. Criteria: ARUP Molecular Germline Variant Investigation Process 2021. Collection method: clinical testing. Allele origin: germline.
Comment: The BRCA2 c.5108A>T; p.Glu1703Val variant, to our knowledge, is not reported in the medical literature or gene specific databases. This variant is also absent from general population databases (Exome Variant Server, Genome Aggregation Database), indicating it is not a common polymorphism. The glutamic acid at codon 1703 is weakly conserved, however, computation analyses of splicing (Alamut v.2.11) predict that this variant may impact splicing by creating a novel cryptic donor splice site. Due to limited information, the clinical significance of the c.5108A>T; p.Glu1703Val variant is uncertain at this time.

NM_000059.4(BRCA2):c.5108A>T (p.Glu1703Val)

Gene: BRCA2 (BRCA2 DNA repair associated; plus strand). Cytogenetic location: 13q13.1.
Variant type: single nucleotide variant.
Coding change: c.5108A>T on transcript NM_000059.4 (MANE Select); coding-DNA position 5108, A replaced by T.
Protein change: p.Glu1703Val; replaces glutamic acid 1703 with valine.
Molecular consequence: missense variant.
Genome position (GRCh38, 1-based): chr13:32,339,463, A>T. VCF-style: chr13-32339463-A-T. GRCh37 (hg19) VCF-style: chr13-32913600-A-T.
Other names: short protein forms E1703V.
Identifiers: ClinVar variation 1020215 (VCV001020215.53), dbSNP rs746177907, ClinGen allele CA387784132.